The following is an entry in ClinVar:

ClinVar aggregate classification (germline): Uncertain significance (1 of 4 stars; one submission).

Conditions:
Multiple endocrine neoplasia, type 1 (MEN1). Also called: Endocrine adenomatosis multiple; MEN 1; MEA I; MEN I; WERMER SYNDROME. Identifiers: Orphanet 652, MedGen C0025267, MeSH D018761, MONDO:0007540, OMIM 131100.

Submission:

Labcorp Genetics (formerly Invitae), Labcorp
Classification: Uncertain significance for Multiple endocrine neoplasia, type 1. Last evaluated: 2021-11-24. Review status: criteria provided, single submitter. Criteria: Invitae Variant Classification Sherloc (09022015). Collection method: clinical testing. Allele origin: germline.
Comment: In summary, the available evidence is currently insufficient to determine the role of this variant in disease. Therefore, it has been classified as a Variant of Uncertain Significance. This variant disrupts the p.Leu143 amino acid residue in MEN1. Other variant(s) that disrupt this residue have been observed in individuals with MEN1-related conditions (PMID: 23188049), which suggests that this may be a clinically significant amino acid residue. Advanced modeling of protein sequence and biophysical properties (such as structural, functional, and spatial information, amino acid conservation, physicochemical variation, residue mobility, and thermodynamic stability) performed at Invitae indicates that this missense variant is expected to disrupt MEN1 protein function. This missense change has been observed in individual(s) with clinical features of MEN1-related conditions (PMID: 30339208; Inviate). This variant is not present in population databases (gnomAD no frequency). This sequence change replaces leucine, which is neutral and non-polar, with proline, which is neutral and non-polar, at codon 143 of the MEN1 protein (p.Leu143Pro).

Literature cited by the submitters: PubMed 23188049; PubMed 30339208.

NM_001370259.2(MEN1):c.428T>C (p.Leu143Pro)

Gene: MEN1 (menin 1; minus strand). Cytogenetic location: 11q13.1.
Variant type: single nucleotide variant.
Coding change: c.428T>C on transcript NM_001370259.2 (MANE Select); coding-DNA position 428, T replaced by C.
Protein change: p.Leu143Pro; replaces leucine 143 with proline.
Molecular consequence: missense variant.
Genome position (GRCh38, 1-based): chr11:64,809,682, A>G on the plus strand (T>C on the coding strand, the complement: MEN1 is on the minus strand). VCF-style: chr11-64809682-A-G. GRCh37 (hg19) VCF-style: chr11-64577154-A-G.
Other names: c.428T>C, p.Leu143Pro (NM_000244.4, NM_001370251.2, NM_001370260.2 and 9 more transcripts); short protein forms L143P.
Identifiers: ClinVar variation 1442586 (VCV001442586.6), dbSNP rs2136178143, ClinGen allele CA381186725.
Genomic context (GRCh38, chr11:64,809,682, plus strand): 5'-AGAAGTGGGTCATGGATAAGATTCCCACCTACTGGGCTCCAACCTGTGATGAAGCTGAAG[A>G]GGGACTGGATGTGGGCCCGATCCTTGAAGTAGGAGCGGCTGAGGCTGTTCCATATGACAT-3'
Protein context (NP_001357188.2, residues 133-153): YFKDRAHIQS[Leu143Pro]FSFITGTKLD